The following is an entry in ClinVar:

ClinVar aggregate classification (germline): Uncertain significance (1 of 4 stars; one submission).

Conditions:
Cardiovascular phenotype. Identifiers: MedGen CN230736.

Submission:

Ambry Genetics
Classification: Uncertain significance for Cardiovascular phenotype. Last evaluated: 2024-04-08. Review status: criteria provided, single submitter. Criteria: Ambry Variant Classification Scheme 2023. Collection method: clinical testing. Allele origin: germline.
Comment: The p.G181C variant (also known as c.541G>T), located in coding exon 4 of the FKTN gene, results from a G to T substitution at nucleotide position 541. The glycine at codon 181 is replaced by cysteine, an amino acid with highly dissimilar properties. This amino acid position is conserved. In addition, this alteration is predicted to be deleterious by in silico analysis. Based on the available evidence, the clinical significance of this variant remains unclear.

NM_001079802.2(FKTN):c.541G>T (p.Gly181Cys)

Gene: FKTN (fukutin; plus strand). Cytogenetic location: 9q31.2.
Variant type: single nucleotide variant.
Coding change: c.541G>T on transcript NM_001079802.2 (MANE Select); coding-DNA position 541, G replaced by T.
Protein change: p.Gly181Cys; replaces glycine 181 with cysteine.
Molecular consequence: missense variant. On other transcripts: non-coding transcript variant (2).
Genome position (GRCh38, 1-based): chr9:105,604,386, G>T. VCF-style: chr9-105604386-G-T. GRCh37 (hg19) VCF-style: chr9-108366667-G-T.
Other names: c.541G>T, p.Gly181Cys (NM_001198963.2, NM_001351496.2, NM_001351498.2 and 1 more transcripts); c.472G>T, p.Gly158Cys (NM_001351497.2); c.145G>T, p.Gly49Cys (NM_001351499.2, NM_001351500.2, NM_001351501.2 and 1 more transcripts); short protein forms G181C, G49C, G158C.
Identifiers: ClinVar variation 3278994 (VCV003278994.1).